The following is an entry in ClinVar:

ClinVar aggregate classification (germline): Uncertain significance. Review status: criteria provided, single submitter (1 of 4 stars). 2 submissions from 2 submitters: Uncertain significance (1). 1 of the submissions does not count toward it. Last evaluated 2022-11-01.

Conditions:
Glycogen storage disease type III (GSD3). Also called: Cori disease; FORBES DISEASE. Identifiers: Orphanet 366, MedGen C0017922, MONDO:0009291, OMIM 232400.

Allele frequency attached by ClinVar (database versions not stated): ExAC 0.00001; gnomAD 0.00001; gnomAD exomes 0.00001 and 0.00005; TOPMed 0.00001.
gnomAD v4.1: 67 of 1,613,944 alleles (0.0042%); highest among the groups gnomAD compares: Non-Finnish European, 0.0054%; no homozygotes.

Submissions (2):

Labcorp Genetics (formerly Invitae), Labcorp
Classification: Uncertain significance for Glycogen storage disease type III. Last evaluated: 2022-11-01. Review status: criteria provided, single submitter. Criteria: Invitae Variant Classification Sherloc (09022015). Collection method: clinical testing. Allele origin: germline.
Comment: This sequence change replaces tyrosine, which is neutral and polar, with phenylalanine, which is neutral and non-polar, at codon 106 of the AGL protein (p.Tyr106Phe). This variant is present in population databases (rs201888023, gnomAD 0.004%). This variant has not been reported in the literature in individuals affected with AGL-related conditions. ClinVar contains an entry for this variant (Variation ID: 1062291). Advanced modeling of protein sequence and biophysical properties (such as structural, functional, and spatial information, amino acid conservation, physicochemical variation, residue mobility, and thermodynamic stability) performed at Invitae indicates that this missense variant is not expected to disrupt AGL protein function. In summary, the available evidence is currently insufficient to determine the role of this variant in disease. Therefore, it has been classified as a Variant of Uncertain Significance.

Natera, Inc.
Classification: Uncertain significance for Glycogen storage disease type III. Last evaluated: 2020-02-13. Review status: no assertion criteria provided. Collection method: clinical testing. Allele origin: germline. Not counted in ClinVar's aggregate classification.

NM_000642.3(AGL):c.317A>T (p.Tyr106Phe)

Gene: AGL (amylo-alpha-1,6-glucosidase and 4-alpha-glucanotransferase; plus strand). Cytogenetic location: 1p21.2.
Variant type: single nucleotide variant.
Coding change: c.317A>T on transcript NM_000642.3 (MANE Select); coding-DNA position 317, A replaced by T.
Protein change: p.Tyr106Phe; replaces tyrosine 106 with phenylalanine.
Molecular consequence: missense variant.
Genome position (GRCh38, 1-based): chr1:99,862,280, A>T. VCF-style: chr1-99862280-A-T. GRCh37 (hg19) VCF-style: chr1-100327836-A-T.
Other names: c.317A>T, p.Tyr106Phe (NM_000643.3, NM_000644.3, NM_001425325.1 and 5 more transcripts); c.269A>T, p.Tyr90Phe (NM_000646.3); short protein forms Y106F, Y90F.
Identifiers: ClinVar variation 1062291 (VCV001062291.8), dbSNP rs201888023, ClinGen allele CA966134.